The following is an entry in ClinVar:

NM_031407.7(HUWE1):c.8237C>G (p.Thr2746Arg)

Gene: HUWE1 (HECT, UBA and WWE domain containing E3 ubiquitin protein ligase 1; minus strand). Cytogenetic location: Xp11.22.
Variant type: single nucleotide variant.
Coding change: c.8237C>G on transcript NM_031407.7 (MANE Select); coding-DNA position 8237, C replaced by G.
Protein change: p.Thr2746Arg; replaces threonine 2746 with arginine.
Molecular consequence: missense variant.
Genome position (GRCh38, 1-based): chrX:53,554,890, G>C on the plus strand (C>G on the coding strand, the complement: HUWE1 is on the minus strand). VCF-style: chrX-53554890-G-C. GRCh37 (hg19) VCF-style: chrX-53581851-G-C.
Other names: short protein forms T2746R.
Identifiers: ClinVar variation 4056779 (VCV004056779.1).

ClinVar aggregate classification (germline): Uncertain significance (1 of 4 stars; one submission).

Conditions:
Intellectual developmental disorder, X-linked, syndromic, Turner type. Also called: X-linked intellectual disability, Turner type; Intellectual disability, X-linked syndromic, Turner type. Identifiers: Orphanet 3056, Orphanet 85328, MedGen C2678046, MONDO:0010407, OMIM 309590.

gnomAD v4.1: 1 of 1,189,659 alleles (0.000084%); highest among the groups gnomAD compares: Non-Finnish European, 0.00011%; no homozygotes.

Submission:

Laboratorio de Genetica e Diagnostico Molecular, Hospital Israelita Albert Einstein
Classification: Uncertain significance for Intellectual developmental disorder, X-linked, syndromic, Turner type. Last evaluated: 2023-04-20. Review status: criteria provided, single submitter. Criteria: ACMG Guidelines, 2015. Collection method: clinical testing. Allele origin: germline. Affected: yes.
Comment: ACMG classification criteria: PM2 moderate, PP2 supporting, BP4 supporting